The following is an entry in ClinVar:

ClinVar aggregate classification (germline): Conflicting classifications of pathogenicity. Review status: criteria provided, conflicting classifications (1 of 4 stars). 3 submissions from 3 submitters: Uncertain significance (1); Benign (1). 1 of the submissions does not count toward it. Last evaluated 2024-10-01.

Conditions:
Inborn genetic diseases. Identifiers: MedGen C0950123, MeSH D030342.
TBC1D1-related disorder. Also called: TBC1D1-related condition.

Allele frequency attached by ClinVar (database versions not stated): 1000 Genomes Project 0.00120; gnomAD 0.00173; TOPMed 0.00209; ESP Exome Variant Server 0.00217.

Submissions (3):

Ambry Genetics
Classification: Uncertain significance for Inborn genetic diseases. Last evaluated: 2024-10-01. Review status: criteria provided, single submitter. Criteria: Ambry Variant Classification Scheme 2023. Collection method: clinical testing. Allele origin: germline.

Labcorp Genetics (formerly Invitae), Labcorp
Classification: Benign. Last evaluated: 2019-12-31. Review status: criteria provided, single submitter. Criteria: Invitae Variant Classification Sherloc (09022015). Collection method: clinical testing. Allele origin: germline.

PreventionGenetics, part of Exact Sciences
Classification: Likely benign for TBC1D1-related condition. Last evaluated: 2021-06-06. Review status: no assertion criteria provided. Collection method: clinical testing. Allele origin: germline. Not counted in ClinVar's aggregate classification.
Comment: This variant is classified as likely benign based on ACMG/AMP sequence variant interpretation guidelines (Richards et al. 2015 PMID: 25741868, with internal and published modifications).

NM_001396959.1(TBC1D1):c.645C>A (p.Asn215Lys)

Gene: TBC1D1 (TBC1 domain family member 1; plus strand). Cytogenetic location: 4p14.
Variant type: single nucleotide variant.
Coding change: c.645C>A on transcript NM_001396959.1 (MANE Select); coding-DNA position 645, C replaced by A.
Protein change: p.Asn215Lys; replaces asparagine 215 with lysine.
Molecular consequence: missense variant.
Genome position (GRCh38, 1-based): chr4:38,014,736, C>A. VCF-style: chr4-38014736-C-A. GRCh37 (hg19) VCF-style: chr4-38016357-C-A.
Other names: c.645C>A, p.Asn215Lys (NM_001253912.2, NM_015173.4); c.645C>A (NM_015173.2); short protein forms N215K.
Identifiers: ClinVar variation 788408 (VCV000788408.8), dbSNP rs201858985, ClinGen allele CA2887479.
Genomic context (GRCh38, chr4:38,014,736, plus strand): 5'-GTGCATCGAGAAGTTCAATCACGTCAGCGGCAGCCGGGGGTCCGAGAGCCCCCGCCCCAA[C>A]CCGCCCCATGCCGCGCCCACAGGGAGCCAGGAGCCTGTGCGCAGGCCCATGCGCAAGTCC-3'
Protein context (NP_001383888.1, residues 205-225): GSRGSESPRP[Asn215Lys]PPHAAPTGSQ